The following is an entry in ClinVar:

ClinVar aggregate classification (germline): Likely benign. Review status: criteria provided, multiple submitters, no conflicts (2 of 4 stars). 3 submissions from 3 submitters: Likely benign (3). Last evaluated 2024-07-02.

Conditions:
Long QT syndrome 1 (LQT1). Identifiers: Orphanet 101016, Orphanet 768, MedGen C4551647, MONDO:0100316, OMIM 192500, MONDO:0008646.
Cardiovascular phenotype. Identifiers: MedGen CN230736.

Allele frequency attached by ClinVar (database versions not stated): gnomAD below 0.00001 and 0.00001; ExAC 0.00001; gnomAD exomes 0.00001; ESP Exome Variant Server 0.00008.
gnomAD v4.1: 20 of 1,613,704 alleles (0.0012%); highest among the groups gnomAD compares: South Asian, 0.0022%; no homozygotes.

Submissions (3):

Labcorp Genetics (formerly Invitae), Labcorp
Classification: Likely benign for Long QT syndrome 1. Last evaluated: 2024-07-02. Review status: criteria provided, single submitter. Criteria: Invitae Variant Classification Sherloc (09022015). Collection method: clinical testing. Allele origin: germline.

Ambry Genetics
Classification: Likely benign for Cardiovascular phenotype. Last evaluated: 2023-08-29. Review status: criteria provided, single submitter. Criteria: Ambry Variant Classification Scheme 2023. Collection method: clinical testing. Allele origin: germline.

GeneDx
Classification: Likely benign. Last evaluated: 2017-06-09. Review status: criteria provided, single submitter. Criteria: GeneDx Variant Classification (06012015). Collection method: clinical testing. Allele origin: germline. Affected: yes.
Comment: This variant is considered likely benign or benign based on one or more of the following criteria: it is a conservative change, it occurs at a poorly conserved position in the protein, it is predicted to be benign by multiple in silico algorithms, and/or has population frequency not consistent with disease.

NM_005184.4(CALM3):c.97T>C (p.Leu33=)

Gene: CALM3 (calmodulin 3; plus strand). Cytogenetic location: 19q13.32.
Variant type: single nucleotide variant.
Coding change: c.97T>C on transcript NM_005184.4 (MANE Select); coding-DNA position 97, T replaced by C.
Protein change: p.Leu33=; no amino-acid change (leucine 33 retained).
Molecular consequence: synonymous variant. On other transcripts: 5 prime UTR variant (5).
Genome position (GRCh38, 1-based): chr19:46,608,259, T>C. VCF-style: chr19-46608259-T-C. GRCh37 (hg19) VCF-style: chr19-47111516-T-C.
Other names: c.-12T>C (NM_001329921.1, NM_001329923.1, NM_001329924.2 and 2 more transcripts); c.97T>C, p.Leu33= (NM_001329922.1).
Identifiers: ClinVar variation 509957 (VCV000509957.5), dbSNP rs375684773, ClinGen allele CA9529753.
Genomic context (GRCh38, chr19:46,608,259, plus strand): 5'-TTCAAGGAGGCCTTCTCCCTCTTTGACAAGGATGGAGATGGCACTATCACCACCAAGGAG[T>C]TGGGGACAGTGATGAGATCCCTGGGACAGAACCCCACTGAAGCAGAGCTGCAGGATATGA-3'
Protein context (NP_005175.2, residues 23-43): DGDGTITTKE[Leu33=]GTVMRSLGQN